The following is an entry in ClinVar:

NM_020461.4(TUBGCP6):c.906-1G>T

Gene: TUBGCP6 (tubulin gamma complex component 6; minus strand). Cytogenetic location: 22q13.33.
Variant type: single nucleotide variant.
Coding change: c.906-1G>T on transcript NM_020461.4 (MANE Select); the canonical splice acceptor site of the intron before coding-DNA position 906, G replaced by T.
Molecular consequence: splice acceptor variant.
Genome position (GRCh38, 1-based): chr22:50,233,527, C>A on the plus strand (G>T on the coding strand, the complement: TUBGCP6 is on the minus strand). VCF-style: chr22-50233527-C-A. GRCh37 (hg19) VCF-style: chr22-50671956-C-A.
Identifiers: ClinVar variation 1477404 (VCV001477404.8), dbSNP rs762988506, ClinGen allele CA10308890.
Genomic context (GRCh38, chr22:50,233,527, plus strand): 5'-TTGTCGAAAGCGTCCCTTCCCGCCTCCGTCAGGTAAGGCTCCTCTCTGTGGCCAGGGGGG[C>A]TGCGAGGGGTGCAGAAGAGAGGCCATGAGCAGACGTGGTGACCTGCACCTCAGCACCAGG-3'

ClinVar aggregate classification (germline): Likely pathogenic (1 of 4 stars; one submission).

Allele frequency attached by ClinVar (database versions not stated): gnomAD 0.00001.
gnomAD v4.1: 27 of 1,600,628 alleles (0.0017%); highest among the groups gnomAD compares: Non-Finnish European, 0.0022%; no homozygotes.

Submission:

Labcorp Genetics (formerly Invitae), Labcorp
Classification: Likely pathogenic. Last evaluated: 2020-12-14. Review status: criteria provided, single submitter. Criteria: Invitae Variant Classification Sherloc (09022015). Collection method: clinical testing. Allele origin: germline.
Comment: This sequence change affects an acceptor splice site in intron 2 of the TUBGCP6 gene. It is expected to disrupt RNA splicing. Variants that disrupt the donor or acceptor splice site typically lead to a loss of protein function (PMID: 16199547), and loss-of-function variants in TUBGCP6 are known to be pathogenic (PMID: 25344692). This variant is present in population databases (rs762988506, ExAC 0.006%). This variant has not been reported in the literature in individuals with TUBGCP6-related conditions. Algorithms developed to predict the effect of sequence changes on RNA splicing suggest that this variant may disrupt the consensus splice site, but this prediction has not been confirmed by published transcriptional studies. In summary, the currently available evidence indicates that the variant is pathogenic, but additional data are needed to prove that conclusively. Therefore, this variant has been classified as Likely Pathogenic.

Literature cited by the submitters: PubMed 16199547; PubMed 25344692.